The following is an entry in ClinVar:

NM_025114.4(CEP290):c.833_836dup (p.Asp279fs)

Gene: CEP290 (centrosomal protein 290; minus strand). Cytogenetic location: 12q21.32.
Variant type: Duplication.
Coding change: c.833_836dup on transcript NM_025114.4 (MANE Select); coding-DNA positions 833 to 836, 4 bases duplicated (ACGA; older notation c.833_836dupACGA).
Protein change: p.Asp279fs; shifts the reading frame from aspartic acid 279.
Molecular consequence: frameshift variant.
Genome position (GRCh38, 1-based): chr12:88,129,710-88,129,713, TCGT duplicated on the plus strand (ACGA on the coding strand, the reverse complement: CEP290 is on the minus strand); duplicating any 4 consecutive bases within chr12:88,129,710-88,129,714 gives the same sequence; the c. name uses the placement nearest the transcript's 3' end. VCF-style (leftmost placement, unchanged base first): chr12-88129709-A-ATCGT. GRCh37 (hg19) VCF-style: chr12-88523486-A-ATCGT.
Other names: c.833_836dupACGA (NM_025114.3); short protein forms D279fs.
Identifiers: ClinVar variation 955801 (VCV000955801.9), dbSNP rs1489175048, ClinGen allele CA693102379.

ClinVar aggregate classification (germline): Pathogenic. Review status: criteria provided, multiple submitters, no conflicts (2 of 4 stars). 2 submissions from 2 submitters: Pathogenic (2). Last evaluated 2026-06-17.

Conditions:
Nephronophthisis. Also called: Juvenile Nephronophthisis. Identifiers: Orphanet 655, MedGen C0687120, MONDO:0019005, HP:0000090.
Meckel-Gruber syndrome. Also called: DYSENCEPHALIA SPLANCHNOCYSTICA; Dysencephalia splachnocystica; GRUBER SYNDROME. Identifiers: Orphanet 564, MedGen C0265215, MONDO:0018921.
Joubert syndrome. Also called: Familial aplasia of the vermis; JOUBERT-BOLTSHAUSER SYNDROME. Identifiers: Orphanet 475, MedGen C5979921, MONDO:0018772.
CEP290-related disorder. Also called: CEP290-related condition; CEP290-related disorders. Identifiers: MedGen CN239314.

Submissions (2):

PreventionGenetics, part of Exact Sciences
Classification: Pathogenic for CEP290-related condition. Last evaluated: 2026-06-17. Review status: criteria provided, single submitter. Criteria: ACMG Guidelines, 2015. Collection method: clinical testing. Allele origin: germline.
Comment: The CEP290 c.833_836dupACGA variant is predicted to result in a frameshift and premature protein termination (p.Asp279Glufs*20). This variant has been reported along with a second causative CEP290 variant in an individual with retinal dystrophy or optic neuropathy (phase unknown) (Patient S719 in Table S2, Matczyńska et al. 2024. PubMed ID: 38927562). This variant has not been reported in a large population database (gnomAD), indicating this variant is rare. Frameshift variants in CEP290 are expected to be pathogenic. This variant is interpreted as pathogenic.

Labcorp Genetics (formerly Invitae), Labcorp
Classification: Pathogenic for Joubert syndrome; Meckel-Gruber syndrome; Nephronophthisis. Last evaluated: 2022-06-26. Review status: criteria provided, single submitter. Criteria: Invitae Variant Classification Sherloc (09022015). Collection method: clinical testing. Allele origin: germline.
Comment: This sequence change creates a premature translational stop signal (p.Asp279Glufs*20) in the CEP290 gene. It is expected to result in an absent or disrupted protein product. Loss-of-function variants in CEP290 are known to be pathogenic (PMID: 16909394, 17345604, 20690115). This variant is not present in population databases (gnomAD no frequency). For these reasons, this variant has been classified as Pathogenic. ClinVar contains an entry for this variant (Variation ID: 955801). This variant has not been reported in the literature in individuals affected with CEP290-related conditions.

Literature cited by the submitters: PubMed 16909394 (cited by Labcorp Genetics (formerly Invitae), Labcorp); PubMed 17345604 (cited by Labcorp Genetics (formerly Invitae), Labcorp); PubMed 20690115 (cited by Labcorp Genetics (formerly Invitae), Labcorp).